The following is an entry in ClinVar:

NM_017671.5(FERMT1):c.1372-3C>A

Gene: FERMT1 (FERM domain containing kindlin 1; minus strand). Cytogenetic location: 20p12.3.
Variant type: single nucleotide variant.
Coding change: c.1372-3C>A on transcript NM_017671.5 (MANE Select); 3 bases into the intron before coding-DNA position 1372, C replaced by A.
Molecular consequence: intron variant.
Genome position (GRCh38, 1-based): chr20:6,085,290, G>T on the plus strand (C>A on the coding strand, the complement: FERMT1 is on the minus strand). VCF-style: chr20-6085290-G-T. GRCh37 (hg19) VCF-style: chr20-6065937-G-T.
Identifiers: ClinVar variation 1364852 (VCV001364852.6), dbSNP rs1251692584, ClinGen allele CA634252598.

ClinVar aggregate classification (germline): Uncertain significance (1 of 4 stars; one submission).

Allele frequency attached by ClinVar (database versions not stated): gnomAD exomes below 0.00001.
gnomAD v4.1: 1 of 1,612,830 alleles (0.000062%); highest among the groups gnomAD compares: Non-Finnish European, 0.000085%; no homozygotes.

Submission:

Labcorp Genetics (formerly Invitae), Labcorp
Classification: Uncertain significance. Last evaluated: 2021-06-30. Review status: criteria provided, single submitter. Criteria: Invitae Variant Classification Sherloc (09022015). Collection method: clinical testing. Allele origin: germline.
Comment: This sequence change falls in intron 11 of the FERMT1 gene. It does not directly change the encoded amino acid sequence of the FERMT1 protein. It affects a nucleotide within the consensus splice site of the intron. This variant is not present in population databases (ExAC no frequency). This variant has not been reported in the literature in individuals affected with FERMT1-related conditions. Nucleotide substitutions within the consensus splice site are a relatively common cause of aberrant splicing (PMID: 17576681, 9536098). Algorithms developed to predict the effect of sequence changes on RNA splicing suggest that this variant may disrupt the consensus splice site. In summary, the available evidence is currently insufficient to determine the role of this variant in disease. Therefore, it has been classified as a Variant of Uncertain Significance.

Literature cited by the submitters: PubMed 17576681; PubMed 9536098.